The following is an entry in ClinVar:

ClinVar aggregate classification (germline): Uncertain significance. Review status: criteria provided, multiple submitters, no conflicts (2 of 4 stars). 2 submissions from 2 submitters: Uncertain significance (2). Last evaluated 2025-12-16.

Allele frequency attached by ClinVar (database versions not stated): gnomAD 0.00001; TOPMed 0.00002.

Submissions (2):

Ambry Genetics
Classification: Uncertain significance. Last evaluated: 2025-12-16. Review status: criteria provided, single submitter. Criteria: Ambry Variant Classification Scheme 2023. Collection method: clinical testing. Allele origin: germline.

Labcorp Genetics (formerly Invitae), Labcorp
Classification: Uncertain significance. Last evaluated: 2024-07-06. Review status: criteria provided, single submitter. Criteria: Invitae Variant Classification Sherloc (09022015). Collection method: clinical testing. Allele origin: germline.
Comment: This sequence change replaces lysine, which is basic and polar, with glutamine, which is neutral and polar, at codon 10 of the GUCY1A1 protein (p.Lys10Gln). This variant is present in population databases (rs6854098, gnomAD 0.004%). This variant has not been reported in the literature in individuals affected with GUCY1A1-related conditions. Algorithms developed to predict the effect of missense changes on protein structure and function output the following: SIFT: "Not Available"; PolyPhen-2: "Benign"; Align-GVGD: "Not Available". The glutamine amino acid residue is found in multiple mammalian species, which suggests that this missense change does not adversely affect protein function. In summary, the available evidence is currently insufficient to determine the role of this variant in disease. Therefore, it has been classified as a Variant of Uncertain Significance.

NM_001130682.3(GUCY1A1):c.28A>C (p.Lys10Gln)

Gene: GUCY1A1 (guanylate cyclase 1 soluble subunit alpha 1; plus strand). Cytogenetic location: 4q32.1.
Variant type: single nucleotide variant.
Coding change: c.28A>C on transcript NM_001130682.3 (MANE Select); coding-DNA position 28, A replaced by C.
Protein change: p.Lys10Gln; replaces lysine 10 with glutamine.
Molecular consequence: missense variant. On other transcripts: intron variant (1).
Genome position (GRCh38, 1-based): chr4:155,696,895, A>C. VCF-style: chr4-155696895-A-C. GRCh37 (hg19) VCF-style: chr4-156618047-A-C.
Other names: c.28A>C, p.Lys10Gln (NM_000856.6, NM_001130683.4, NM_001130684.3 and 13 more transcripts); c.-638-40A>C (NM_001130685.3); short protein forms K10Q.
Identifiers: ClinVar variation 3103271 (VCV003103271.4), dbSNP rs6854098, ClinGen allele CA3117051.
Genomic context (GRCh38, chr4:155,696,895, plus strand): 5'-GGAGATCGCAGCAGGGTAAGAGACACCAACACCATGTTCTGCACGAAGCTCAAGGATCTC[A>C]AGATCACAGGAGAGTGTCCTTTCTCCTTACTGGCACCAGGTCAAGTTCCTAACGAGTCTT-3'
Protein context (NP_001124154.1, residues 1-20): MFCTKLKDL[Lys10Gln]ITGECPFSLL